The following is an entry in ClinVar:

ClinVar aggregate classification (germline): Uncertain significance (1 of 4 stars; one submission).

Conditions:
Myopathy, tubular aggregate, 2 (TAM2). Identifiers: MedGen C4014557, MONDO:0014383, OMIM 615883.
Combined immunodeficiency due to ORAI1 deficiency. Also called: IMMUNODEFICIENCY 9. Identifiers: Orphanet 169090, Orphanet 317428, MedGen C2748568, MONDO:0013007, OMIM 612782.

Submission:

Labcorp Genetics (formerly Invitae), Labcorp
Classification: Uncertain significance for Myopathy, tubular aggregate, 2; Combined immunodeficiency due to ORAI1 deficiency. Last evaluated: 2024-02-23. Review status: criteria provided, single submitter. Criteria: Invitae Variant Classification Sherloc (09022015). Collection method: clinical testing. Allele origin: germline.
Comment: This sequence change replaces proline with arginine at codon 47 of the ORAI1 protein (p.Pro47Arg). The proline residue is weakly conserved and there is a moderate physicochemical difference between proline and arginine. This variant is not present in population databases (gnomAD no frequency). This variant has not been reported in the literature in individuals affected with ORAI1-related conditions. ClinVar contains an entry for this variant (Variation ID: 1399428). Experimental studies and prediction algorithms are not available or were not evaluated, and the functional significance of this variant is currently unknown. In summary, the available evidence is currently insufficient to determine the role of this variant in disease. Therefore, it has been classified as a Variant of Uncertain Significance.

NC_000012.12:g.121626887C>G

Genes: ORAI1 (ORAI calcium release-activated calcium modulator 1; plus strand), LOC130008987 (ATAC-STARR-seq lymphoblastoid silent region 4981; plus strand). Cytogenetic location: 12q24.31.
Variant type: single nucleotide variant.
Genome position: GRCh38 VCF-style: chr12-121626887-C-G. GRCh37 (hg19) VCF-style: chr12-122064793-C-G.
Other names: c.140C>G, p.Pro47Arg (NM_032790.4); short protein forms P47R.
Identifiers: ClinVar variation 1399428 (VCV001399428.6), dbSNP rs781855511, ClinGen allele CA386980820.
Genomic context (GRCh38, chr12:121,626,887, plus strand): 5'-CGGAGCCGCCGCCGCAGCGGGGACGGGGAGCCCCCGGGGGCCCCGCCCCGCCACCGCCGC[C>G]GTCCGCCGTCACCTACCCGGACTGGATCGGCCAGAGTTACTCCGAGGTGATGAGCCTCAA-3'